The following is an entry in ClinVar:

ClinVar aggregate classification (germline): Uncertain significance (1 of 4 stars; one submission).

gnomAD v4.1: 1 of 1,614,158 alleles (0.000062%); highest among the groups gnomAD compares: Non-Finnish European, 0.000085%; no homozygotes.

Submission:

Labcorp Genetics (formerly Invitae), Labcorp
Classification: Uncertain significance. Last evaluated: 2025-01-25. Review status: criteria provided, single submitter. Criteria: Invitae Variant Classification Sherloc (09022015). Collection method: clinical testing. Allele origin: germline.
Comment: This sequence change replaces alanine, which is neutral and non-polar, with valine, which is neutral and non-polar, at codon 651 of the MCM5 protein (p.Ala651Val). This variant is not present in population databases (gnomAD no frequency). This variant has not been reported in the literature in individuals affected with MCM5-related conditions. Invitae Evidence Modeling of protein sequence and biophysical properties (such as structural, functional, and spatial information, amino acid conservation, physicochemical variation, residue mobility, and thermodynamic stability) indicates that this missense variant is not expected to disrupt MCM5 protein function with a negative predictive value of 80%. In summary, the available evidence is currently insufficient to determine the role of this variant in disease. Therefore, it has been classified as a Variant of Uncertain Significance.

NM_006739.4(MCM5):c.1952C>T (p.Ala651Val)

Gene: MCM5 (minichromosome maintenance complex component 5; plus strand). Cytogenetic location: 22q12.3.
Variant type: single nucleotide variant.
Coding change: c.1952C>T on transcript NM_006739.4 (MANE Select); coding-DNA position 1952, C replaced by T.
Protein change: p.Ala651Val; replaces alanine 651 with valine.
Molecular consequence: missense variant.
Genome position (GRCh38, 1-based): chr22:35,421,437, C>T. VCF-style: chr22-35421437-C-T. GRCh37 (hg19) VCF-style: chr22-35817430-C-T.
Other names: short protein forms A651V.
Identifiers: ClinVar variation 3683706 (VCV003683706.2).